The following is an entry in ClinVar:

ClinVar aggregate classification (germline): Likely benign. Review status: criteria provided, multiple submitters, no conflicts (2 of 4 stars). 3 submissions from 3 submitters: Likely benign (2). 1 of the submissions does not count toward it. Last evaluated 2026-01-19.

Conditions:
Renal tubular acidosis with progressive nerve deafness. Also called: RENAL TUBULAR ACIDOSIS, AUTOSOMAL RECESSIVE, WITH PROGRESSIVE NERVE DEAFNESS; RTA WITH PROGRESSIVE NERVE DEAFNESS; Distal Renal Tubular Acidosis with Progressive Sensorineural Deafness; renal tubular acidosis, distal, 2, with progressive sensorineural hearing loss. Identifiers: MedGen C0403554, MONDO:0009968, OMIM 267300.

Allele frequency attached by ClinVar (database versions not stated): gnomAD 0.00012 and 0.00016; TOPMed 0.00012; gnomAD exomes 0.00014 and 0.00031; ExAC 0.00029; 1000 Genomes Project 30x 0.00031; 1000 Genomes Project 0.00040.
gnomAD v4.1: 230 of 1,613,954 alleles (0.014%); highest among the groups gnomAD compares: East Asian, 0.49%; 1 homozygote.

Submissions (3):

Labcorp Genetics (formerly Invitae), Labcorp
Classification: Likely benign. Last evaluated: 2026-01-19. Review status: criteria provided, single submitter. Criteria: Invitae Variant Classification Sherloc (09022015). Collection method: clinical testing. Allele origin: germline.

Illumina Laboratory Services, Illumina
Classification: Likely benign for Renal tubular acidosis with progressive nerve deafness. Last evaluated: 2018-01-12. Review status: criteria provided, single submitter. Criteria: ICSL Variant Classification Criteria 13 December 2019. Collection method: clinical testing. Allele origin: germline.
Comment: This variant was observed in the ICSL laboratory as part of a predisposition screen in an ostensibly healthy population. It had not been previously curated by ICSL or reported in the Human Gene Mutation Database (HGMD: prior to June 1st, 2018), and was therefore a candidate for classification through an automated scoring system. Utilizing variant allele frequency, disease prevalence and penetrance estimates, and inheritance mode, an automated score was calculated to assess if this variant is too frequent to cause the disease. Based on the score and internal cut-off values, a variant classified as likely benign is not then subjected to further curation. The score for this variant resulted in a classification of likely benign for this disease.

Natera, Inc.
Classification: Uncertain significance for Renal tubular acidosis with progressive nerve deafness. Last evaluated: 2019-10-28. Review status: no assertion criteria provided. Collection method: clinical testing. Allele origin: germline. Not counted in ClinVar's aggregate classification.

NM_001692.4(ATP6V1B1):c.926A>G (p.Glu309Gly)

Gene: ATP6V1B1 (ATPase H+ transporting V1 subunit B1; plus strand). Cytogenetic location: 2p13.3.
Variant type: single nucleotide variant.
Coding change: c.926A>G on transcript NM_001692.4 (MANE Select); coding-DNA position 926, A replaced by G.
Protein change: p.Glu309Gly; replaces glutamic acid 309 with glycine.
Molecular consequence: missense variant.
Genome position (GRCh38, 1-based): chr2:70,963,178, A>G. VCF-style: chr2-70963178-A-G. GRCh37 (hg19) VCF-style: chr2-71190308-A-G.
Other names: short protein forms E309G.
Identifiers: ClinVar variation 336920 (VCV000336920.16), dbSNP rs201556073, ClinGen allele CA1701206.
Genomic context (GRCh38, chr2:70,963,178, plus strand): 5'-GCCTCTCATCCCCTTTCTTACCCCAGTGCCCATGGATATTGCAGGTCTCTGCTGCTAGAG[A>G]GGAGGTGCCTGGGCGCCGAGGGTTTCCTGGATATATGTACACAGACCTGGCCACCATCTA-3'
Protein context (NP_001683.2, residues 299-319): EALREVSAAR[Glu309Gly]EVPGRRGFPG